The following is an entry in ClinVar:

NM_032620.4(GTPBP3):c.1420G>A (p.Gly474Arg)

Gene: GTPBP3 (GTP binding protein 3, mitochondrial; plus strand). Cytogenetic location: 19p13.11.
Variant type: single nucleotide variant.
Coding change: c.1420G>A on transcript NM_032620.4 (MANE Select); coding-DNA position 1420, G replaced by A.
Protein change: p.Gly474Arg; replaces glycine 474 with arginine.
Molecular consequence: missense variant.
Genome position (GRCh38, 1-based): chr19:17,341,644, G>A. VCF-style: chr19-17341644-G-A. GRCh37 (hg19) VCF-style: chr19-17452453-G-A.
Other names: c.1357G>A, p.Gly453Arg (NM_001128855.3); c.1486G>A, p.Gly496Arg (NM_001195422.1); c.1516G>A, p.Gly506Arg (NM_133644.4); c.1516G>A (NM_133644.3); short protein forms G474R, G453R, G506R, G496R.
Identifiers: ClinVar variation 1919347 (VCV001919347.4), dbSNP rs1215687080, ClinGen allele CA404739793.

ClinVar aggregate classification (germline): Uncertain significance. Review status: criteria provided, multiple submitters, no conflicts (2 of 4 stars). 2 submissions from 2 submitters: Uncertain significance (2). Last evaluated 2025-06-07.

Conditions:
Inborn genetic diseases. Identifiers: MedGen C0950123, MeSH D030342.

Allele frequency attached by ClinVar (database versions not stated): gnomAD 0.00002; gnomAD exomes 0.00001; TOPMed 0.00002.
gnomAD v4.1: 6 of 1,612,552 alleles (0.00037%); highest among the groups gnomAD compares: African/African-American, 0.004%; no homozygotes.

Submissions (2):

Ambry Genetics
Classification: Uncertain significance for Inborn genetic diseases. Last evaluated: 2025-06-07. Review status: criteria provided, single submitter. Criteria: Ambry Variant Classification Scheme 2023. Collection method: clinical testing. Allele origin: germline.

Labcorp Genetics (formerly Invitae), Labcorp
Classification: Uncertain significance. Last evaluated: 2024-05-15. Review status: criteria provided, single submitter. Criteria: Invitae Variant Classification Sherloc (09022015). Collection method: clinical testing. Allele origin: germline.
Comment: This sequence change replaces glycine, which is neutral and non-polar, with arginine, which is basic and polar, at codon 506 of the GTPBP3 protein (p.Gly506Arg). This variant is present in population databases (no rsID available, gnomAD 0.003%). This variant has not been reported in the literature in individuals affected with GTPBP3-related conditions. ClinVar contains an entry for this variant (Variation ID: 1919347). Advanced modeling of protein sequence and biophysical properties (such as structural, functional, and spatial information, amino acid conservation, physicochemical variation, residue mobility, and thermodynamic stability) performed at Invitae indicates that this missense variant is not expected to disrupt GTPBP3 protein function with a negative predictive value of 80%. Algorithms developed to predict the effect of sequence changes on RNA splicing suggest that this variant may create or strengthen a splice site. In summary, the available evidence is currently insufficient to determine the role of this variant in disease. Therefore, it has been classified as a Variant of Uncertain Significance.